The following is an entry in ClinVar:

NM_213595.4(ISCU):c.29G>A (p.Arg10Lys)

Gene: ISCU (iron-sulfur cluster assembly enzyme; plus strand). Cytogenetic location: 12q23.3.
Variant type: single nucleotide variant.
Coding change: c.29G>A on transcript NM_213595.4 (MANE Select); coding-DNA position 29, G replaced by A.
Protein change: p.Arg10Lys; replaces arginine 10 with lysine.
Molecular consequence: missense variant. On other transcripts: 5 prime UTR variant (1), non-coding transcript variant (1).
Genome position (GRCh38, 1-based): chr12:108,562,651, G>A. VCF-style: chr12-108562651-G-A. GRCh37 (hg19) VCF-style: chr12-108956427-G-A.
Other names: c.29G>A, p.Arg10Lys (NM_001301140.1, NM_001301141.1, NM_001320042.1); c.-143G>A (NM_014301.4); short protein forms R10K.
Identifiers: ClinVar variation 1917963 (VCV001917963.4), dbSNP rs745953998, ClinGen allele CA6768694.

ClinVar aggregate classification (germline): Uncertain significance (1 of 4 stars; one submission).

Allele frequency attached by ClinVar (database versions not stated): gnomAD 0.00001; gnomAD exomes 0.00001; TOPMed 0.00001.
gnomAD v4.1: 16 of 1,462,696 alleles (0.0011%); highest among the groups gnomAD compares: East Asian, 0.037%; no homozygotes.

Submission:

Labcorp Genetics (formerly Invitae), Labcorp
Classification: Uncertain significance. Last evaluated: 2024-07-15. Review status: criteria provided, single submitter. Criteria: Invitae Variant Classification Sherloc (09022015). Collection method: clinical testing. Allele origin: germline.
Comment: This sequence change replaces arginine, which is basic and polar, with lysine, which is basic and polar, at codon 10 of the ISCU protein (p.Arg10Lys). This variant is present in population databases (rs745953998, gnomAD 0.05%). This variant has not been reported in the literature in individuals affected with ISCU-related conditions. ClinVar contains an entry for this variant (Variation ID: 1917963). Experimental studies and prediction algorithms are not available or were not evaluated, and the functional significance of this variant is currently unknown. In summary, the available evidence is currently insufficient to determine the role of this variant in disease. Therefore, it has been classified as a Variant of Uncertain Significance.